The following is an entry in ClinVar:

ClinVar aggregate classification (germline): Uncertain significance (1 of 4 stars; one submission).

gnomAD v4.1: 1 of 1,611,316 alleles (0.000062%); highest among the groups gnomAD compares: African/African-American, 0.0013%; no homozygotes.

Submission:

GeneDx
Classification: Uncertain significance. Last evaluated: 2022-09-20. Review status: criteria provided, single submitter. Criteria: GeneDx Variant Classification Process June 2021. Collection method: clinical testing. Allele origin: germline. Affected: yes.
Comment: Not observed at significant frequency in large population cohorts (gnomAD); In silico analysis supports that this missense variant does not alter protein structure/function; Has not been previously published as pathogenic or benign to our knowledge

NM_004667.6(HERC2):c.6365C>G (p.Thr2122Arg)

Gene: HERC2 (HECT and RLD domain containing E3 ubiquitin protein ligase 2; minus strand). Cytogenetic location: 15q13.1.
Variant type: single nucleotide variant.
Coding change: c.6365C>G on transcript NM_004667.6 (MANE Select); coding-DNA position 6365, C replaced by G.
Protein change: p.Thr2122Arg; replaces threonine 2122 with arginine.
Molecular consequence: missense variant.
Genome position (GRCh38, 1-based): chr15:28,214,266, G>C on the plus strand (C>G on the coding strand, the complement: HERC2 is on the minus strand). VCF-style: chr15-28214266-G-C. GRCh37 (hg19) VCF-style: chr15-28459412-G-C.
Other names: short protein forms T2122R.
Identifiers: ClinVar variation 2444569 (VCV002444569.1), dbSNP rs762921100, ClinGen allele CA391401166.